The following is an entry in ClinVar:

NM_030632.3(ASXL3):c.324C>T (p.Ala108=)

Gene: ASXL3 (ASXL transcriptional regulator 3; plus strand). Cytogenetic location: 18q12.1.
Variant type: single nucleotide variant.
Coding change: c.324C>T on transcript NM_030632.3 (MANE Select); coding-DNA position 324, C replaced by T.
Protein change: p.Ala108=; no amino-acid change (alanine 108 retained).
Molecular consequence: synonymous variant.
Genome position (GRCh38, 1-based): chr18:33,646,322, C>T. VCF-style: chr18-33646322-C-T. GRCh37 (hg19) VCF-style: chr18-31226286-C-T.
Identifiers: ClinVar variation 4534014 (VCV004534014.7).

ClinVar aggregate classification (germline): Likely benign. Review status: criteria provided, multiple submitters, no conflicts (2 of 4 stars). 2 submissions from 2 submitters: Likely benign (2). Last evaluated 2025-11-01.

gnomAD v4.1: 47 of 1,609,012 alleles (0.0029%); highest among the groups gnomAD compares: African/African-American, 0.025%; no homozygotes.

Submissions (2):

CeGaT Center for Human Genetics Tuebingen
Classification: Likely benign. Last evaluated: 2025-11-01. Review status: criteria provided, single submitter. Criteria: CeGaT Center For Human Genetics Tuebingen Variant Classification Criteria Version 2. Collection method: clinical testing. Allele origin: germline. Affected: yes. Observed: 1 variant allele.
Comment: ASXL3: BP4, BP7

Blueprint Genetics
Classification: Likely benign. Last evaluated: 2021-11-04. Review status: criteria provided, single submitter. Criteria: ACMG Guidelines, 2015. Collection method: clinical testing. Allele origin: germline.